The following is an entry in ClinVar:

ClinVar aggregate classification (germline): Uncertain significance (1 of 4 stars; one submission).

Conditions:
Perlman syndrome (PRLMNS). Identifiers: Orphanet 2849, MedGen C0796113, MONDO:0009965, OMIM 267000.

Submission:

Labcorp Genetics (formerly Invitae), Labcorp
Classification: Uncertain significance for Perlman syndrome. Last evaluated: 2022-05-10. Review status: criteria provided, single submitter. Criteria: Invitae Variant Classification Sherloc (09022015). Collection method: clinical testing. Allele origin: germline.
Comment: Variants that disrupt the consensus splice site are a relatively common cause of aberrant splicing (PMID: 17576681, 9536098). Studies have shown that this variant is associated with altered splicing resulting in unknown protein product impact (Invitae). In summary, the available evidence is currently insufficient to determine the role of this variant in disease. Therefore, it has been classified as a Variant of Uncertain Significance. This variant has not been reported in the literature in individuals affected with DIS3L2-related conditions. This variant is not present in population databases (gnomAD no frequency). This sequence change falls in intron 12 of the DIS3L2 gene. It does not directly change the encoded amino acid sequence of the DIS3L2 protein. It affects a nucleotide within the consensus splice site.

Literature cited by the submitters: PubMed 17576681; PubMed 9536098.

NM_152383.5(DIS3L2):c.1426-3C>A

Gene: DIS3L2 (DIS3 like 3'-5' exoribonuclease 2; plus strand). Cytogenetic location: 2q37.1.
Variant type: single nucleotide variant.
Coding change: c.1426-3C>A on transcript NM_152383.5 (MANE Select); 3 bases into the intron before coding-DNA position 1426, C replaced by A.
Molecular consequence: intron variant.
Genome position (GRCh38, 1-based): chr2:232,263,204, C>A. VCF-style: chr2-232263204-C-A. GRCh37 (hg19) VCF-style: chr2-233127914-C-A.
Other names: c.1426-3C>A (NM_001257281.2).
Identifiers: ClinVar variation 1488082 (VCV001488082.6), dbSNP rs2106280905, ClinGen allele CA2573135556.